The following is an entry in ClinVar:

NM_001136472.2(LITAF):c.377+1869G>T

Gene: LITAF (lipopolysaccharide induced TNF factor; minus strand). Cytogenetic location: 16p13.13.
Variant type: single nucleotide variant.
Coding change: c.377+1869G>T on transcript NM_001136472.2 (MANE Select); 1869 bases into the intron after coding-DNA position 377, G replaced by T.
Molecular consequence: intron variant.
Genome position (GRCh38, 1-based): chr16:11,551,664, C>A on the plus strand (G>T on the coding strand, the complement: LITAF is on the minus strand). VCF-style: chr16-11551664-C-A. GRCh37 (hg19) VCF-style: chr16-11645520-C-A.
Other names: c.*16+43G>T (NM_001136473.1); c.377+1869G>T (NM_004862.4).
Identifiers: ClinVar variation 683059 (VCV000683059.2), dbSNP rs7206280, ClinGen allele CA15890793.

ClinVar aggregate classification (germline): Benign. Review status: criteria provided, multiple submitters, no conflicts (2 of 4 stars). 2 submissions from 2 submitters: Benign (2). Last evaluated 2018-06-19.

Allele frequency attached by ClinVar (database versions not stated): gnomAD 0.50965 and 0.51547; TOPMed 0.51530; 1000 Genomes Project 0.52177.
gnomAD v4.1: 235,517 of 549,338 alleles (43%); highest among the groups gnomAD compares: African/African-American, 69%; 43,909 homozygotes.

Submissions (2):

GeneDx
Classification: Benign. Last evaluated: 2018-06-19. Review status: criteria provided, single submitter. Criteria: GeneDx Variant Classification (06012015). Collection method: clinical testing. Allele origin: germline. Affected: yes.
Comment: This variant is considered likely benign or benign based on one or more of the following criteria: it is a conservative change, it occurs at a poorly conserved position in the protein, it is predicted to be benign by multiple in silico algorithms, and/or has population frequency not consistent with disease.

Breakthrough Genomics
Classification: Benign. Review status: criteria provided, single submitter. Criteria: ACMG Guidelines, 2015. Collection method: not provided. Allele origin: germline. Inheritance: Autosomal dominant inheritance. Affected: yes.